The following is an entry in ClinVar:

ClinVar aggregate classification (germline): Benign. Review status: criteria provided, multiple submitters, no conflicts (2 of 4 stars). 4 submissions from 4 submitters: Benign (3). 1 of the submissions does not count toward it. Last evaluated 2018-08-15.

Conditions:
Bardet-Biedl syndrome (BBS). Identifiers: Orphanet 110, MedGen C0752166, MONDO:0015229.
Bardet-Biedl syndrome 4 (BBS4). Identifiers: Orphanet 110, MedGen C2936864, MONDO:0014433, OMIM 615982.

Allele frequency attached by ClinVar (database versions not stated): gnomAD exomes 0.00104 and 0.00273; ExAC 0.00558; gnomAD 0.01092 and 0.01165; TOPMed 0.01265; 1000 Genomes Project 0.01338; ESP Exome Variant Server 0.01455; 1000 Genomes Project 30x 0.01499.
gnomAD v4.1: 3,240 of 1,594,886 alleles (0.2%); highest among the groups gnomAD compares: African/African-American, 3.7%; 65 homozygotes.

Submissions (4):

Eurofins Ntd Llc (ga)
Classification: Benign. Last evaluated: 2018-08-15. Review status: criteria provided, single submitter. Criteria: EGL ClinVar v180209 classification definitions. Collection method: clinical testing. Allele origin: germline. Observed: 1 variant allele, 1 heterozygote.

Illumina Laboratory Services, Illumina
Classification: Benign for Bardet-Biedl syndrome 4. Last evaluated: 2018-01-13. Review status: criteria provided, single submitter. Criteria: ICSL Variant Classification Criteria 13 December 2019. Collection method: clinical testing. Allele origin: germline.
Comment: This variant was observed in the ICSL laboratory as part of a predisposition screen in an ostensibly healthy population. It had not been previously curated by ICSL or reported in the Human Gene Mutation Database (HGMD: prior to June 1st, 2018), and was therefore a candidate for classification through an automated scoring system. Utilizing variant allele frequency, disease prevalence and penetrance estimates, and inheritance mode, an automated score was calculated to assess if this variant is too frequent to cause the disease. Based on the score and internal cut-off values, a variant classified as benign is not then subjected to further curation. The score for this variant resulted in a classification of benign for this disease.

PreventionGenetics, part of Exact Sciences
Classification: Benign. Review status: criteria provided, single submitter. Criteria: ACMG Guidelines, 2015. Collection method: clinical testing. Allele origin: germline.

GeneReviews
Classification: Benign for Bardet-Biedl Syndrome. Last evaluated: 2009-10-13. Review status: no assertion criteria provided. Collection method: curation. Allele origin: unknown. Not counted in ClinVar's aggregate classification.
ClinVar note: Converted during submission from benign to Benign.

NM_033028.5(BBS4):c.*1G>C

Gene: BBS4 (Bardet-Biedl syndrome 4; plus strand). Cytogenetic location: 15q24.1.
Variant type: single nucleotide variant.
Coding change: c.*1G>C on transcript NM_033028.5 (MANE Select); 1 bases downstream of the stop codon, G replaced by C.
Molecular consequence: 3 prime UTR variant. On other transcripts: non-coding transcript variant (2).
Genome position (GRCh38, 1-based): chr15:72,737,588, G>C. VCF-style: chr15-72737588-G-C. GRCh37 (hg19) VCF-style: chr15-73029929-G-C.
Other names: c.1561G/C; c.*1G>C (NM_001252678.2, NM_001320665.2).
Identifiers: ClinVar variation 21735 (VCV000021735.12), dbSNP rs113678046, ClinGen allele CA342427.